The following is an entry in ClinVar:

ClinVar aggregate classification (germline): Uncertain significance (1 of 4 stars; one submission).

Conditions:
BBS4-related disorder. Also called: BBS4-related condition.

gnomAD v4.1: 7 of 1,614,094 alleles (0.00043%); highest among the groups gnomAD compares: East Asian, 0.011%; no homozygotes.

Submission:

PreventionGenetics, part of Exact Sciences
Classification: Uncertain significance for BBS4-related condition. Last evaluated: 2025-03-25. Review status: criteria provided, single submitter. Criteria: ACMG Guidelines, 2015. Collection method: clinical testing. Allele origin: germline.
Comment: The BBS4 c.479A>G variant is predicted to result in the amino acid substitution p.Asn160Ser. To our knowledge, this variant has not been reported in the literature. This variant is reported in 0.0054% of alleles in individuals of East Asian descent in gnomAD. At this time, the clinical significance of this variant is uncertain due to the absence of conclusive functional and genetic evidence.

NM_033028.5(BBS4):c.479A>G (p.Asn160Ser)

Gene: BBS4 (Bardet-Biedl syndrome 4; plus strand). Cytogenetic location: 15q24.1.
Variant type: single nucleotide variant.
Coding change: c.479A>G on transcript NM_033028.5 (MANE Select); coding-DNA position 479, A replaced by G.
Protein change: p.Asn160Ser; replaces asparagine 160 with serine.
Molecular consequence: missense variant. On other transcripts: 5 prime UTR variant (1), non-coding transcript variant (2).
Genome position (GRCh38, 1-based): chr15:72,724,547, A>G. VCF-style: chr15-72724547-A-G. GRCh37 (hg19) VCF-style: chr15-73016888-A-G.
Other names: c.-38A>G (NM_001252678.2); c.479A>G, p.Asn160Ser (NM_001320665.2); short protein forms N160S.
Identifiers: ClinVar variation 5002316 (VCV005002316.1).